The following is an entry in ClinVar:

NM_001287491.2(TET3):c.1303G>A (p.Glu435Lys)

Gene: TET3 (tet methylcytosine dioxygenase 3; plus strand). Cytogenetic location: 2p13.1.
Variant type: single nucleotide variant.
Coding change: c.1303G>A on transcript NM_001287491.2 (MANE Select); coding-DNA position 1303, G replaced by A.
Protein change: p.Glu435Lys; replaces glutamic acid 435 with lysine.
Molecular consequence: missense variant.
Genome position (GRCh38, 1-based): chr2:74,047,220, G>A. VCF-style: chr2-74047220-G-A. GRCh37 (hg19) VCF-style: chr2-74274347-G-A.
Other names: c.1024G>A, p.Glu342Lys (NM_001366022.1); short protein forms E342K, E435K.
Identifiers: ClinVar variation 5039776 (VCV005039776.1).

ClinVar aggregate classification (germline): Uncertain significance (1 of 4 stars; one submission).

gnomAD v4.1: 2 of 1,613,974 alleles (0.00012%); highest among the groups gnomAD compares: Non-Finnish European, 0.00017%; no homozygotes.

Submission:

CeGaT Center for Human Genetics Tuebingen
Classification: Uncertain significance. Last evaluated: 2026-08-01. Review status: criteria provided, single submitter. Criteria: CeGaT Center For Human Genetics Tuebingen Variant Classification Criteria Version 2. Collection method: clinical testing. Allele origin: germline. Affected: yes. Observed: 1 variant allele.
Comment: TET3: PM2